The following is an entry in ClinVar:

ClinVar aggregate classification (germline): Uncertain significance (1 of 4 stars; one submission).

Submission:

Labcorp Genetics (formerly Invitae), Labcorp
Classification: Uncertain significance. Last evaluated: 2024-04-10. Review status: criteria provided, single submitter. Criteria: Invitae Variant Classification Sherloc (09022015). Collection method: clinical testing. Allele origin: germline.
Comment: This sequence change replaces valine, which is neutral and non-polar, with isoleucine, which is neutral and non-polar, at codon 255 of the CTR9 protein (p.Val255Ile). Information on the frequency of this variant in the gnomAD database is not available, as this variant may be reported differently in the database. This variant has not been reported in the literature in individuals affected with CTR9-related conditions. Experimental studies and prediction algorithms are not available or were not evaluated, and the functional significance of this variant is currently unknown. In summary, the available evidence is currently insufficient to determine the role of this variant in disease. Therefore, it has been classified as a Variant of Uncertain Significance.

NM_014633.5(CTR9):c.762_763inv (p.Val255Ile)

Gene: CTR9 (CTR9 component of Paf1/RNA polymerase II complex; plus strand). Cytogenetic location: 11p15.4.
Variant type: Inversion.
Coding change: c.762_763inv on transcript NM_014633.5 (MANE Select).
Protein change: p.Val255Ile; replaces valine 255 with isoleucine.
Molecular consequence: missense variant.
Genome position: GRCh38 VCF-style: chr11-10761967-TG-CA. GRCh37 (hg19) VCF-style: chr11-10783514-TG-CA.
Other names: c.762_763inv, p.Val255Ile (NM_001346279.2); short protein forms V255I.
Identifiers: ClinVar variation 3013304 (VCV003013304.3), ClinGen allele CA2740093633.
Genomic context (GRCh38, chr11:10,761,967, plus strand): 5'-TATTGTTTTCACTCCACCTTGTTGCAATGTTTTCTTTTAGGCTGATTCCATTAAAAATGG[TG>CA]TCCAGCTTCTTTCCAGAGCCTATACTATTGATCCTAGCAACCCTATGGTATTGAACCATT-3'
Protein context (NP_055448.1, residues 245-265): NKEADSIKNG[Val255Ile]QLLSRAYTID